The following is an entry in ClinVar:

NM_014639.4(SKIC3):c.1015C>G (p.Leu339Val)

Gene: SKIC3 (SKI3 subunit of superkiller complex; minus strand). Cytogenetic location: 5q15.
Variant type: single nucleotide variant.
Coding change: c.1015C>G on transcript NM_014639.4 (MANE Select); coding-DNA position 1015, C replaced by G.
Protein change: p.Leu339Val; replaces leucine 339 with valine.
Molecular consequence: missense variant.
Genome position (GRCh38, 1-based): chr5:95,528,132, G>C on the plus strand (C>G on the coding strand, the complement: SKIC3 is on the minus strand). VCF-style: chr5-95528132-G-C. GRCh37 (hg19) VCF-style: chr5-94863836-G-C.
Other names: short protein forms L339V.
Identifiers: ClinVar variation 1927377 (VCV001927377.2), dbSNP rs768494732, ClinGen allele CA3347447.

ClinVar aggregate classification (germline): Uncertain significance (1 of 4 stars; one submission).

Allele frequency attached by ClinVar (database versions not stated): ExAC 0.00001; gnomAD exomes 0.00001.
gnomAD v4.1: 3 of 1,613,702 alleles (0.00019%); highest among the groups gnomAD compares: Non-Finnish European, 0.00025%; no homozygotes.

Submission:

Labcorp Genetics (formerly Invitae), Labcorp
Classification: Uncertain significance. Last evaluated: 2022-03-19. Review status: criteria provided, single submitter. Criteria: Invitae Variant Classification Sherloc (09022015). Collection method: clinical testing. Allele origin: germline.
Comment: This sequence change replaces leucine, which is neutral and non-polar, with valine, which is neutral and non-polar, at codon 339 of the TTC37 protein (p.Leu339Val). This variant is present in population databases (rs768494732, gnomAD 0.003%). This variant has not been reported in the literature in individuals affected with TTC37-related conditions. Algorithms developed to predict the effect of missense changes on protein structure and function output the following: SIFT: "Tolerated"; PolyPhen-2: "Benign"; Align-GVGD: "Class C0". The valine amino acid residue is found in multiple mammalian species, which suggests that this missense change does not adversely affect protein function. In summary, the available evidence is currently insufficient to determine the role of this variant in disease. Therefore, it has been classified as a Variant of Uncertain Significance.